The following is an entry in ClinVar:

ClinVar aggregate classification (germline): Uncertain significance. Review status: criteria provided, multiple submitters, no conflicts (2 of 4 stars). 2 submissions from 2 submitters: Uncertain significance (2). Last evaluated 2026-02-23.

Conditions:
Cardiovascular phenotype. Identifiers: MedGen CN230736.
Primary dilated cardiomyopathy (DCM). Also called: Dilated Cardiomyopathy. Identifiers: Orphanet 217604, MedGen C0007193, MeSH D002311, MONDO:0005021, HP:0001644. Inheritance: Various modes of inheritance.

Allele frequency attached by ClinVar (database versions not stated): gnomAD 0.00001 and 0.00003; TOPMed 0.00003; 1000 Genomes Project 30x 0.00016.
gnomAD v4.1: 4 of 1,610,072 alleles (0.00025%); highest among the groups gnomAD compares: Non-Finnish European, 0.00034%; no homozygotes.

Submissions (2):

Ambry Genetics
Classification: Uncertain significance for Cardiovascular phenotype. Last evaluated: 2026-02-23. Review status: criteria provided, single submitter. Criteria: Ambry Variant Classification Scheme 2023. Collection method: clinical testing. Allele origin: germline.
Comment: The p.A485S variant (also known as c.1453G>T), located in coding exon 17 of the TXNRD2 gene, results from a G to T substitution at nucleotide position 1453. The alanine at codon 485 is replaced by serine, an amino acid with similar properties. This amino acid position is well conserved in available vertebrate species. In addition, the in silico prediction for this alteration is inconclusive. The evidence for this gene-disease relationship is limited; therefore, the clinical significance of this variant is unclear.

Labcorp Genetics (formerly Invitae), Labcorp
Classification: Uncertain significance for Primary dilated cardiomyopathy. Last evaluated: 2023-05-05. Review status: criteria provided, single submitter. Criteria: Invitae Variant Classification Sherloc (09022015). Collection method: clinical testing. Allele origin: germline.
Comment: In summary, the available evidence is currently insufficient to determine the role of this variant in disease. Therefore, it has been classified as a Variant of Uncertain Significance. Algorithms developed to predict the effect of sequence changes on RNA splicing suggest that this variant may create or strengthen a splice site. Advanced modeling of protein sequence and biophysical properties (such as structural, functional, and spatial information, amino acid conservation, physicochemical variation, residue mobility, and thermodynamic stability) has been performed at Invitae for this missense variant, however the output from this modeling did not meet the statistical confidence thresholds required to predict the impact of this variant on TXNRD2 protein function. ClinVar contains an entry for this variant (Variation ID: 650181). This variant has not been reported in the literature in individuals affected with TXNRD2-related conditions. This variant is present in population databases (no rsID available, gnomAD 0.0008%). This sequence change replaces alanine, which is neutral and non-polar, with serine, which is neutral and polar, at codon 485 of the TXNRD2 protein (p.Ala485Ser).

NM_006440.5(TXNRD2):c.1453G>T (p.Ala485Ser)

Gene: TXNRD2 (thioredoxin reductase 2; minus strand). Cytogenetic location: 22q11.21.
Variant type: single nucleotide variant.
Coding change: c.1453G>T on transcript NM_006440.5 (MANE Select); coding-DNA position 1453, G replaced by T.
Protein change: p.Ala485Ser; replaces alanine 485 with serine.
Molecular consequence: missense variant.
Genome position (GRCh38, 1-based): chr22:19,877,227, C>A on the plus strand (G>T on the coding strand, the complement: TXNRD2 is on the minus strand). VCF-style: chr22-19877227-C-A. GRCh37 (hg19) VCF-style: chr22-19864750-C-A.
Other names: c.1450G>T, p.Ala484Ser (NM_001352300.2); c.1363G>T, p.Ala455Ser (NM_001352301.2); c.1165G>T, p.Ala389Ser (NM_001352302.2); c.1453G>T (NM_006440.3); short protein forms A389S, A485S, A484S, A455S.
Identifiers: ClinVar variation 650181 (VCV000650181.5), dbSNP rs960962542, ClinGen allele CA322074898.